The following is an entry in ClinVar:

NM_000051.4(ATM):c.1223A>G (p.Asp408Gly)

Gene: ATM (ATM serine/threonine kinase; plus strand). Cytogenetic location: 11q22.3.
Variant type: single nucleotide variant.
Coding change: c.1223A>G on transcript NM_000051.4 (MANE Select); coding-DNA position 1223, A replaced by G.
Protein change: p.Asp408Gly; replaces aspartic acid 408 with glycine.
Molecular consequence: missense variant.
Genome position (GRCh38, 1-based): chr11:108,249,090, A>G. VCF-style: chr11-108249090-A-G. GRCh37 (hg19) VCF-style: chr11-108119817-A-G.
Other names: c.1223A>G, p.Asp408Gly (NM_001351834.2); short protein forms D408G.
Identifiers: ClinVar variation 141215 (VCV000141215.17), dbSNP rs587781582, ClinGen allele CA164783.

ClinVar aggregate classification (germline): Uncertain significance. Review status: criteria provided, multiple submitters, no conflicts (2 of 4 stars). 3 submissions from 3 submitters: Uncertain significance (3). Last evaluated 2024-03-06.

Conditions:
Hereditary cancer-predisposing syndrome. Also called: Neoplastic Syndromes, Hereditary; Hereditary Cancer Syndrome; Hereditary neoplastic syndrome; Tumor predisposition. Identifiers: Orphanet 140162, MedGen C0027672, MeSH D009386, MONDO:0015356.
Ataxia-telangiectasia syndrome (AT). Also called: Cerebello-oculocutaneous telangiectasia; Immunodeficiency with ataxia telangiectasia; Ataxia-telangiectasia, complementation group D; AT, COMPLEMENTATION GROUP C; ATAXIA-TELANGIECTASIA, FRESNO VARIANT; ATAXIA-TELANGIECTASIA, COMPLEMENTATION GROUP A. Identifiers: Orphanet 100, MedGen C0004135, MONDO:0008840, OMIM 208900.

Allele frequency attached by ClinVar (database versions not stated): gnomAD exomes below 0.00001.

Submissions (3):

Color Diagnostics, LLC DBA Color Health
Classification: Uncertain significance for Hereditary cancer-predisposing syndrome. Last evaluated: 2024-03-06. Review status: criteria provided, single submitter. Criteria: ACMG Guidelines, 2015. Collection method: clinical testing. Allele origin: germline.
Comment: This missense variant replaces aspartic acid with glycine at codon 408 of the ATM protein. Computational prediction tool suggests that this variant may not impact protein structure and function (internally defined REVEL score threshold <=0.5, PMID: 27666373). Splice site prediction tools suggest that this variant may not impact RNA splicing. To our knowledge, functional studies have not been performed for this variant. This variant has not been reported in individuals affected with hereditary cancer in the literature. This variant has not been identified in the general population by the Genome Aggregation Database (gnomAD). The available evidence is insufficient to determine the role of this variant in disease conclusively. Therefore, this variant is classified as a Variant of Uncertain Significance.

Ambry Genetics
Classification: Uncertain significance for Hereditary cancer-predisposing syndrome. Last evaluated: 2017-05-05. Review status: criteria provided, single submitter. Criteria: Ambry Variant Classification Scheme 2023. Collection method: clinical testing. Allele origin: germline.
Comment: The p.D408G variant (also known as c.1223A>G), located in coding exon 8 of the ATM gene, results from an A to G substitution at nucleotide position 1223. The aspartic acid at codon 408 is replaced by glycine, an amino acid with similar properties. This amino acid position is well conserved in available vertebrate species. In addition, this alteration is predicted to be tolerated by in silico analysis. Since supporting evidence is limited at this time, the clinical significance of this alteration remains unclear.

Labcorp Genetics (formerly Invitae), Labcorp
Classification: Uncertain significance for Ataxia-telangiectasia syndrome. Last evaluated: 2016-11-06. Review status: criteria provided, single submitter. Criteria: Invitae Variant Classification Sherloc (09022015). Collection method: clinical testing. Allele origin: germline.
Comment: Algorithms developed to predict the effect of missense changes on protein structure and function do not agree on the potential impact of this missense change (SIFT: "Tolerated"; PolyPhen-2: "Possibly Damaging"; Align-GVGD: "Class C0"). In summary, this variant is a rare missense change with uncertain impact on protein function. There is no indication that it causes disease, but the available evidence is currently insufficient to prove that conclusively. Therefore, it has been classified as a Variant of Uncertain Significance. This variant is not present in population databases (ExAC no frequency) and has not been reported in the literature in individuals with an ATM-related disease. ClinVar contains an entry for this variant (Variation ID: 141215). This sequence change replaces aspartic acid with glycine at codon 408 of the ATM protein (p.Asp408Gly). The aspartic acid residue is moderately conserved and there is a moderate physicochemical difference between aspartic acid and glycine.